The following is an entry in ClinVar:

ClinVar aggregate classification (germline): Uncertain significance (1 of 4 stars; one submission).

Allele frequency attached by ClinVar (database versions not stated): gnomAD exomes below 0.00001.
gnomAD v4.1: 3 of 1,588,810 alleles (0.00019%); highest among the groups gnomAD compares: Non-Finnish European, 0.00026%; no homozygotes.

Submission:

Labcorp Genetics (formerly Invitae), Labcorp
Classification: Uncertain significance. Last evaluated: 2022-09-12. Review status: criteria provided, single submitter. Criteria: Invitae Variant Classification Sherloc (09022015). Collection method: clinical testing. Allele origin: germline.
Comment: This variant is not present in population databases (gnomAD no frequency). In summary, the available evidence is currently insufficient to determine the role of this variant in disease. Therefore, it has been classified as a Variant of Uncertain Significance. Advanced modeling of protein sequence and biophysical properties (such as structural, functional, and spatial information, amino acid conservation, physicochemical variation, residue mobility, and thermodynamic stability) performed at Invitae indicates that this missense variant is expected to disrupt SOX10 protein function. ClinVar contains an entry for this variant (Variation ID: 1348041). This variant has not been reported in the literature in individuals affected with SOX10-related conditions. This sequence change replaces glutamic acid, which is acidic and polar, with lysine, which is basic and polar, at codon 155 of the SOX10 protein (p.Glu155Lys).

NM_006941.4(SOX10):c.463G>A (p.Glu155Lys)

Genes: POLR2F (RNA polymerase II, I and III subunit F; plus strand), SOX10 (SRY-box transcription factor 10; minus strand). Cytogenetic location: 22q13.1.
Variant type: single nucleotide variant.
Coding change: c.463G>A on transcript NM_006941.4 (MANE Select); coding-DNA position 463, G replaced by A.
Protein change: p.Glu155Lys; replaces glutamic acid 155 with lysine.
Molecular consequence: missense variant. On other transcripts: intron variant (3).
Genome position (GRCh38, 1-based): chr22:37,978,101, C>T on the plus strand (G>A on the coding strand, the complement: SOX10 is on the minus strand). VCF-style: chr22-37978101-C-T. GRCh37 (hg19) VCF-style: chr22-38374108-C-T.
Other names: c.*38+5791C>T (NM_001363825.1); c.294-8053C>T (NM_001301130.2); c.293+10931C>T (NM_001301131.2); short protein forms E155K.
Identifiers: ClinVar variation 1348041 (VCV001348041.6), dbSNP rs1932279377, ClinGen allele CA411498071.